The following is an entry in ClinVar:

NM_001352514.2(HLCS):c.2038C>T (p.Gln680Ter)

Gene: HLCS (holocarboxylase synthetase; minus strand). Cytogenetic location: 21q22.13.
Variant type: single nucleotide variant.
Coding change: c.2038C>T on transcript NM_001352514.2 (MANE Select); coding-DNA position 2038, C replaced by T.
Protein change: p.Gln680Ter; replaces glutamine 680 with a stop codon.
Molecular consequence: nonsense. On other transcripts: non-coding transcript variant (2).
Genome position (GRCh38, 1-based): chr21:36,765,095, G>A on the plus strand (C>T on the coding strand, the complement: HLCS is on the minus strand). VCF-style: chr21-36765095-G-A. GRCh37 (hg19) VCF-style: chr21-38137396-G-A.
Other names: c.1597C>T, p.Gln533Ter (NM_000411.8, NM_001242784.3, NM_001242785.2 and 4 more transcripts); short protein forms Q533*, Q680*.
Identifiers: ClinVar variation 2702884 (VCV002702884.3), dbSNP rs2516872544, ClinGen allele CA409920940.
Genomic context (GRCh38, chr21:36,765,095, plus strand): 5'-CTGCTTCCACGACAGCCACGGACATCAGATGCTGGACAAACGGGATCCTCTGTCCCAGCT[G>A]GGATCTCAGTGGAATGGAGATGAGCAGAGTAGAAAGAGCACATCCCACAGGGCTCAGCCA-3'

ClinVar aggregate classification (germline): Pathogenic (1 of 4 stars; one submission).

Conditions:
Holocarboxylase synthetase deficiency. Also called: MULTIPLE CARBOXYLASE DEFICIENCY, EARLY ONSET. Identifiers: Orphanet 79242, MedGen C0268581, MONDO:0009666, OMIM 253270.

Submission:

Labcorp Genetics (formerly Invitae), Labcorp
Classification: Pathogenic for Holocarboxylase synthetase deficiency. Last evaluated: 2023-12-13. Review status: criteria provided, single submitter. Criteria: Invitae Variant Classification Sherloc (09022015). Collection method: clinical testing. Allele origin: germline.
Comment: This sequence change creates a premature translational stop signal (p.Gln533*) in the HLCS gene. It is expected to result in an absent or disrupted protein product. Loss-of-function variants in HLCS are known to be pathogenic (PMID: 16134170). This variant is not present in population databases (gnomAD no frequency). This variant has not been reported in the literature in individuals affected with HLCS-related conditions. For these reasons, this variant has been classified as Pathogenic.

Literature cited by the submitters: PubMed 16134170.